The following is an entry in ClinVar:

NM_001042492.3(NF1):c.8030T>A (p.Leu2677Ter)

Gene: NF1 (neurofibromin 1; plus strand). Cytogenetic location: 17q11.2.
Variant type: single nucleotide variant.
Coding change: c.8030T>A on transcript NM_001042492.3 (MANE Select); coding-DNA position 8030, T replaced by A.
Protein change: p.Leu2677Ter; replaces leucine 2677 with a stop codon.
Molecular consequence: nonsense.
Genome position (GRCh38, 1-based): chr17:31,358,539, T>A. VCF-style: chr17-31358539-T-A. GRCh37 (hg19) VCF-style: chr17-29685557-T-A.
Other names: c.7967T>A, p.Leu2656Ter (NM_000267.4); short protein forms L2677*, L2656*.
Identifiers: ClinVar variation 2019572 (VCV002019572.4), dbSNP rs2151584941, ClinGen allele CA399203715.
Genomic context (GRCh38, chr17:31,358,539, plus strand): 5'-GGCATAATTTGTTGGACTCTAAGATCAACACCCTGTTATCATTGTGCCAAGATCCAAATT[T>A]GTTAAATCCAATCCATGGAATTGTGCAGAGTGTGGTGTACCATGAAGAATCCCCACCACA-3'

ClinVar aggregate classification (germline): Pathogenic (1 of 4 stars; one submission).

Conditions:
Neurofibromatosis, type 1 (NF1). Also called: NEUROFIBROMATOSIS, TYPE I, SOMATIC; Neurofibromatosis, type I; Peripheral type neurofibromatosis; VON RECKLINGHAUSEN DISEASE. Identifiers: Orphanet 636, MedGen C0027831, MONDO:0018975, OMIM 162200. Disease mechanism: loss of function.

Submission:

Labcorp Genetics (formerly Invitae), Labcorp
Classification: Pathogenic for Neurofibromatosis, type 1. Last evaluated: 2022-07-25. Review status: criteria provided, single submitter. Criteria: Invitae Variant Classification Sherloc (09022015). Collection method: clinical testing. Allele origin: germline.
Comment: This sequence change creates a premature translational stop signal (p.Leu2656*) in the NF1 gene. It is expected to result in an absent or disrupted protein product. Loss-of-function variants in NF1 are known to be pathogenic (PMID: 10712197, 23913538). This variant is not present in population databases (gnomAD no frequency). This variant has not been reported in the literature in individuals affected with NF1-related conditions. For these reasons, this variant has been classified as Pathogenic.

Literature cited by the submitters: PubMed 10712197; PubMed 23913538.